The following is an entry in ClinVar:

NM_006947.4(SRP72):c.872C>T (p.Ala291Val)

Gene: SRP72 (signal recognition particle 72; plus strand). Cytogenetic location: 4q12.
Variant type: single nucleotide variant.
Coding change: c.872C>T on transcript NM_006947.4 (MANE Select); coding-DNA position 872, C replaced by T.
Protein change: p.Ala291Val; replaces alanine 291 with valine.
Molecular consequence: missense variant. On other transcripts: non-coding transcript variant (1).
Genome position (GRCh38, 1-based): chr4:56,483,185, C>T. VCF-style: chr4-56483185-C-T. GRCh37 (hg19) VCF-style: chr4-57349351-C-T.
Other names: c.689C>T, p.Ala230Val (NM_001267722.2); short protein forms A291V, A230V.
Identifiers: ClinVar variation 436866 (VCV000436866.16), dbSNP rs758054768, ClinGen allele CA2931206.

ClinVar aggregate classification (germline): Uncertain significance. Review status: criteria provided, multiple submitters, no conflicts (2 of 4 stars). 4 submissions from 4 submitters: Uncertain significance (4). Last evaluated 2026-01-26.

Conditions:
SRP72-related disorder. Also called: SRP72-related condition.

Allele frequency attached by ClinVar (database versions not stated): ExAC 0.00003; gnomAD 0.00003; gnomAD exomes 0.00004; TOPMed 0.00005.

Submissions (4):

Labcorp Genetics (formerly Invitae), Labcorp
Classification: Uncertain significance. Last evaluated: 2026-01-26. Review status: criteria provided, single submitter. Criteria: Invitae Variant Classification Sherloc (09022015). Collection method: clinical testing. Allele origin: germline.
Comment: This sequence change replaces alanine, which is neutral and non-polar, with valine, which is neutral and non-polar, at codon 291 of the SRP72 protein (p.Ala291Val). This variant is present in population databases (rs758054768, gnomAD 0.01%). This missense change has been observed in individual(s) with SRP72-related conditions (PMID: 38103590). ClinVar contains an entry for this variant (Variation ID: 436866). Invitae Evidence Modeling of protein sequence and biophysical properties (such as structural, functional, and spatial information, amino acid conservation, physicochemical variation, residue mobility, and thermodynamic stability) indicates that this missense variant is not expected to disrupt SRP72 protein function with a negative predictive value of 80%. In summary, the available evidence is currently insufficient to determine the role of this variant in disease. Therefore, it has been classified as a Variant of Uncertain Significance.

PreventionGenetics, part of Exact Sciences
Classification: Uncertain significance for SRP72-related condition. Last evaluated: 2025-12-17. Review status: criteria provided, single submitter. Criteria: ACMG Guidelines, 2015. Collection method: clinical testing. Allele origin: germline.
Comment: The SRP72 c.872C>T variant is predicted to result in the amino acid substitution p.Ala291Val. This variant was reported in two individuals with neutropenia (Patients 66 and 67, Supplementary data, Lin et al. 2024. PubMed ID: 38103590). This variant is reported in 0.0085% of alleles in individuals of Latino descent in gnomAD and is classified as a variant of uncertain significance in ClinVar (Variation ID: 436866). At this time, the clinical significance of this variant is uncertain due to the absence of conclusive functional and genetic evidence.

GeneDx
Classification: Uncertain significance. Last evaluated: 2024-07-12. Review status: criteria provided, single submitter. Criteria: GeneDx Variant Classification Process June 2021. Collection method: clinical testing. Allele origin: germline. Affected: yes.
Comment: In silico analysis indicates that this missense variant does not alter protein structure/function; Has not been previously published as pathogenic or benign to our knowledge; This variant is associated with the following publications: (PMID: 27397505)

Genetic Services Laboratory, University of Chicago
Classification: Uncertain significance. Last evaluated: 2015-09-24. Review status: criteria provided, single submitter. Criteria: ACMG Guidelines, 2015. Collection method: clinical testing. Allele origin: germline. Affected: no.

Literature cited by the submitters: PubMed 38103590 (cited by Labcorp Genetics (formerly Invitae), Labcorp).